The following is an entry in ClinVar:

ClinVar aggregate classification (germline): Likely benign. Review status: criteria provided, multiple submitters, no conflicts (2 of 4 stars). 2 submissions from 2 submitters: Likely benign (2). Last evaluated 2024-02-22.

Conditions:
Arrhythmogenic right ventricular cardiomyopathy (ARVD). Also called: Cardiomyopathy, ARVC; Arrhythmogenic right ventricular dysplasia; Arrhythmogenic Right Ventricular Cardiomyopathy (ARVC); Arrhythmogenic cardiomyopathy. Identifiers: Orphanet 247, MedGen C0349788, MeSH D019571, MONDO:0016587. Disease mechanism: loss of function. Inheritance: Various modes of inheritance.

Allele frequency attached by ClinVar (database versions not stated): gnomAD exomes below 0.00001; gnomAD 0.00001.
gnomAD v4.1: 2 of 1,613,964 alleles (0.00012%); highest among the groups gnomAD compares: Non-Finnish European, 0.00017%; no homozygotes.

Submissions (2):

All of Us Research Program, National Institutes of Health
Classification: Likely benign for Arrhythmogenic right ventricular cardiomyopathy. Last evaluated: 2024-02-22. Review status: criteria provided, single submitter. Criteria: ACMG Guidelines, 2015. Collection method: clinical testing. Allele origin: germline. Inheritance: Autosomal dominant inheritance. Observed: 1 variant allele, 1 heterozygote.
Comment: This study involves interpretation of variants in research participants for the purpose of population health screening. Participant phenotype was not available at the time of variant classification. Additional details can be found in publication PMID: 35346344, PMCID: PMC8962531

CeGaT Center for Human Genetics Tuebingen
Classification: Likely benign. Last evaluated: 2022-01-01. Review status: criteria provided, single submitter. Criteria: CeGaT Center For Human Genetics Tuebingen Variant Classification Criteria Version 2. Collection method: clinical testing. Allele origin: germline. Affected: yes. Observed: 1 variant allele.

NM_001943.5(DSG2):c.2358A>G (p.Glu786=)

Genes: DSG2 (desmoglein 2; plus strand), DSG2-AS1 (DSG2 antisense RNA 1; minus strand). Cytogenetic location: 18q12.1.
Variant type: single nucleotide variant.
Coding change: c.2358A>G on transcript NM_001943.5 (MANE Select); coding-DNA position 2358, A replaced by G.
Protein change: p.Glu786=; no amino-acid change (glutamic acid 786 retained).
Molecular consequence: synonymous variant. On other transcripts: non-coding transcript variant (1).
Genome position (GRCh38, 1-based): chr18:31,545,744, A>G. VCF-style: chr18-31545744-A-G. GRCh37 (hg19) VCF-style: chr18-29125707-A-G.
Identifiers: ClinVar variation 1675699 (VCV001675699.34), dbSNP rs1567934256, ClinGen allele CA503766014.
Genomic context (GRCh38, chr18:31,545,744, plus strand): 5'-TCTGTTTTGTGTTTGTTTTGTTTTGTTTTCATTTTAGAAAGCGGCCTCTTACACTGAGGA[A>G]GATGAAAATCACACAGCCAAAGATTGCCTTCTGGTTTATTCTCAGGAAGAAACTGAATCG-3'
Protein context (NP_001934.2, residues 776-796): FTDKAASYTE[Glu786=]DENHTAKDCL